The following is an entry in ClinVar:

NM_003052.5(SLC34A1):c.820_823del (p.Phe274fs)

Gene: SLC34A1 (solute carrier family 34 member 1; plus strand). Cytogenetic location: 5q35.3.
Variant type: Deletion.
Coding change: c.820_823del on transcript NM_003052.5 (MANE Select); coding-DNA positions 820 to 823, 4 bases deleted (TTCA; older notation c.820_823delTTCA).
Protein change: p.Phe274fs; shifts the reading frame from phenylalanine 274.
Molecular consequence: frameshift variant.
Genome position (GRCh38, 1-based): chr5:177,388,169-177,388,172, TTCA deleted. VCF-style (leftmost placement, unchanged base first): chr5-177388168-CTTCA-C. GRCh37 (hg19) VCF-style: chr5-176815169-CTTCA-C.
Other names: c.820_823del, p.Phe274fs (NM_001167579.2); short protein forms F274fs.
Identifiers: ClinVar variation 2751992 (VCV002751992.3), dbSNP rs2481014382, ClinGen allele CA2697546585.
Genomic context (GRCh38, chr5:177,388,168, plus strand): 5'-CTCCTTCAACATCCATGGTGGCCGTGATGCTCCTGACCTGCTCAAGATCATCACAGAGCC[CTTCA>C]CGAAGCTCATCATCCAGGTGACAGCAGGGCCTGGCATGGGGTGAGGGTGGGGGTAACAAG-3'

ClinVar aggregate classification (germline): Pathogenic (1 of 4 stars; one submission).

Submission:

Labcorp Genetics (formerly Invitae), Labcorp
Classification: Pathogenic. Last evaluated: 2023-08-19. Review status: criteria provided, single submitter. Criteria: Invitae Variant Classification Sherloc (09022015). Collection method: clinical testing. Allele origin: germline.
Comment: This sequence change creates a premature translational stop signal (p.Phe274Argfs*11) in the SLC34A1 gene. It is expected to result in an absent or disrupted protein product. Loss-of-function variants in SLC34A1 are known to be pathogenic (PMID: 26047794). This variant is not present in population databases (gnomAD no frequency). This variant has not been reported in the literature in individuals affected with SLC34A1-related conditions. For these reasons, this variant has been classified as Pathogenic.

Literature cited by the submitters: PubMed 26047794.